The following is an entry in ClinVar:

NM_000245.4(MET):c.2223T>A (p.Asp741Glu)

Gene: MET (MET proto-oncogene, receptor tyrosine kinase; plus strand). Cytogenetic location: 7q31.2.
Variant type: single nucleotide variant.
Coding change: c.2223T>A on transcript NM_000245.4 (MANE Select); coding-DNA position 2223, T replaced by A.
Protein change: p.Asp741Glu; replaces aspartic acid 741 with glutamic acid.
Molecular consequence: missense variant.
Genome position (GRCh38, 1-based): chr7:116,758,579, T>A. VCF-style: chr7-116758579-T-A. GRCh37 (hg19) VCF-style: chr7-116398633-T-A.
Other names: c.2223T>A, p.Asp741Glu (NM_001127500.3, NM_001324401.3); c.933T>A, p.Asp311Glu (NM_001324402.2); short protein forms D741E, D311E.
Identifiers: ClinVar variation 5024406 (VCV005024406.1).

ClinVar aggregate classification (germline): Uncertain significance (1 of 4 stars; one submission).

Conditions:
Hereditary cancer-predisposing syndrome. Also called: Neoplastic Syndromes, Hereditary; Tumor predisposition; Hereditary neoplastic syndrome; Hereditary Cancer Syndrome. Identifiers: Orphanet 140162, MedGen C0027672, MeSH D009386, MONDO:0015356.

Submission:

Ambry Genetics
Classification: Uncertain significance for Hereditary cancer-predisposing syndrome. Last evaluated: 2026-07-18. Review status: criteria provided, single submitter. Criteria: Ambry Variant Classification Scheme 2023. Collection method: clinical testing. Allele origin: germline.
Comment: The p.D741E variant (also known as c.2223T>A), located in coding exon 8 of the MET gene, results from a T to A substitution at nucleotide position 2223. The aspartic acid at codon 741 is replaced by glutamic acid, an amino acid with highly similar properties. This amino acid position is conserved. In addition, the in silico prediction for this alteration is inconclusive. Based on the available evidence, the clinical significance of this variant remains unclear.